The following is an entry in ClinVar:

ClinVar aggregate classification (germline): Uncertain significance (1 of 4 stars; one submission).

Conditions:
Inborn genetic diseases. Identifiers: MedGen C0950123, MeSH D030342.

Submission:

Ambry Genetics
Classification: Uncertain significance for Inborn genetic diseases. Last evaluated: 2025-11-10. Review status: criteria provided, single submitter. Criteria: Ambry Variant Classification Scheme 2023. Collection method: clinical testing. Allele origin: germline.
Comment: The p.D921N variant (also known as c.2761G>A), located in coding exon 28 of the RTEL1 gene, results from a G to A substitution at nucleotide position 2761. The aspartic acid at codon 921 is replaced by asparagine, an amino acid with highly similar properties. This amino acid position is conserved. In addition, this alteration is predicted to be tolerated by in silico analysis. Based on the available evidence, the clinical significance of this variant remains unclear.

NM_001283009.2(RTEL1):c.2761G>A (p.Asp921Asn)

Genes: RTEL1 (regulator of telomere elongation helicase 1; plus strand), RTEL1-TNFRSF6B (RTEL1-TNFRSF6B readthrough (NMD candidate); plus strand). Cytogenetic location: 20q13.33.
Variant type: single nucleotide variant.
Coding change: c.2761G>A on transcript NM_001283009.2 (MANE Select); coding-DNA position 2761, G replaced by A.
Protein change: p.Asp921Asn; replaces aspartic acid 921 with asparagine.
Molecular consequence: missense variant. On other transcripts: non-coding transcript variant (1).
Genome position (GRCh38, 1-based): chr20:63,692,913, G>A. VCF-style: chr20-63692913-G-A. GRCh37 (hg19) VCF-style: chr20-62324266-G-A.
Other names: c.2092G>A, p.Asp698Asn (NM_001283010.1); c.2761G>A, p.Asp921Asn (NM_016434.4); c.2833G>A, p.Asp945Asn (NM_032957.5); short protein forms D921N, D945N, D698N.
Identifiers: ClinVar variation 4629599 (VCV004629599.1).
Genomic context (GRCh38, chr20:63,692,913, plus strand): 5'-GTGGCCGTGAAGCAGGAGTTGAGCCAAGCCAACTTTGCCACCTTCACCCAGGCCCTGCAG[G>A]ACTACAAGGGTTCCGATGACTTCGCCGCCCTGGCCGCCTGTCTCGGCCCCCTCTTTGCTG-3'
Protein context (NP_001269938.1, residues 911-931): NFATFTQALQ[Asp921Asn]YKGSDDFAAL